The following is an entry in ClinVar:

ClinVar aggregate classification (germline): Uncertain significance. Review status: criteria provided, multiple submitters, no conflicts (2 of 4 stars). 2 submissions from 2 submitters: Uncertain significance (2). Last evaluated 2025-11-05.

Allele frequency attached by ClinVar (database versions not stated): ExAC 0.00001; gnomAD exomes 0.00002 and 0.00001; gnomAD 0.00001; TOPMed 0.00001.
gnomAD v4.1: 13 of 1,614,050 alleles (0.00081%); highest among the groups gnomAD compares: Admixed American, 0.0033%; no homozygotes.

Submissions (2):

Ambry Genetics
Classification: Uncertain significance. Last evaluated: 2025-11-05. Review status: criteria provided, single submitter. Criteria: Ambry Variant Classification Scheme 2023. Collection method: clinical testing. Allele origin: germline.

Labcorp Genetics (formerly Invitae), Labcorp
Classification: Uncertain significance. Last evaluated: 2024-06-17. Review status: criteria provided, single submitter. Criteria: Invitae Variant Classification Sherloc (09022015). Collection method: clinical testing. Allele origin: germline.
Comment: This sequence change replaces glutamic acid, which is acidic and polar, with lysine, which is basic and polar, at codon 703 of the IMPG1 protein (p.Glu703Lys). This variant is present in population databases (rs781277194, gnomAD 0.003%). This variant has not been reported in the literature in individuals affected with IMPG1-related conditions. ClinVar contains an entry for this variant (Variation ID: 1500341). Algorithms developed to predict the effect of missense changes on protein structure and function output the following: SIFT: "Not Available"; PolyPhen-2: "Benign"; Align-GVGD: "Not Available". The lysine amino acid residue is found in multiple mammalian species, which suggests that this missense change does not adversely affect protein function. In summary, the available evidence is currently insufficient to determine the role of this variant in disease. Therefore, it has been classified as a Variant of Uncertain Significance.

NM_001563.4(IMPG1):c.2107G>A (p.Glu703Lys)

Gene: IMPG1 (interphotoreceptor matrix proteoglycan 1; minus strand). Cytogenetic location: 6q14.1.
Variant type: single nucleotide variant.
Coding change: c.2107G>A on transcript NM_001563.4 (MANE Select); coding-DNA position 2107, G replaced by A.
Protein change: p.Glu703Lys; replaces glutamic acid 703 with lysine.
Molecular consequence: missense variant.
Genome position (GRCh38, 1-based): chr6:75,931,089, C>T on the plus strand (G>A on the coding strand, the complement: IMPG1 is on the minus strand). VCF-style: chr6-75931089-C-T. GRCh37 (hg19) VCF-style: chr6-76640806-C-T.
Other names: c.1873G>A, p.Glu625Lys (NM_001282368.2); c.2107G>A (NM_001563.2); short protein forms E703K, E625K.
Identifiers: ClinVar variation 1500341 (VCV001500341.7), dbSNP rs781277194, ClinGen allele CA3897928.